The following is an entry in ClinVar:

ClinVar aggregate classification (germline): Pathogenic. Review status: criteria provided, single submitter (1 of 4 stars). 2 submissions from 2 submitters: Pathogenic (1). 1 of the submissions does not count toward it. Last evaluated 2019-12-11.

Conditions:
PRPH2-related disorder. Also called: PRPH2-related disorders; PRPH2-related condition. Identifiers: MedGen CN239395.

Submissions (2):

Labcorp Genetics (formerly Invitae), Labcorp
Classification: Pathogenic for PRPH2-related disorder. Last evaluated: 2019-12-11. Review status: criteria provided, single submitter. Criteria: Invitae Variant Classification Sherloc (09022015). Collection method: clinical testing. Allele origin: germline.
Comment: This sequence change results in a premature translational stop signal in the PRPH2 gene (p.Leu270Profs*30). While this is not anticipated to result in nonsense mediated decay, it is expected to disrupt the last 77 amino acids of the PRPH2 protein. This variant is not present in population databases (ExAC no frequency). This variant has not been reported in the literature in individuals with PRPH2-related conditions. This variant disrupts the C-terminus of the PRPH2 protein. Other variant(s) that disrupt this region (p.Leu307Argfs*17) have been determined to be pathogenic (PMID: 22183351, 8019570, 24265693). This suggests that variants that disrupt this region of the protein are likely to be causative of disease. For these reasons, this variant has been classified as Pathogenic.

Leiden Open Variation Database
Classification: Pathogenic. Last evaluated: 2021-04-06. Review status: no assertion criteria provided. Collection method: curation. Allele origin: germline. Affected: yes. Not counted in ClinVar's aggregate classification.
Comment: Curator: Global Variome, with Curator vacancy. Submitter to LOVD: Manon Peeters.

Literature cited by the submitters: PubMed 22183351 (cited by Labcorp Genetics (formerly Invitae), Labcorp); PubMed 8019570 (cited by Labcorp Genetics (formerly Invitae), Labcorp); PubMed 24265693 (cited by Labcorp Genetics (formerly Invitae), Labcorp).

NM_000322.5(PRPH2):c.809_810del (p.Leu270fs)

Gene: PRPH2 (peripherin 2; minus strand). Cytogenetic location: 6p21.1.
Variant type: Deletion.
Coding change: c.809_810del on transcript NM_000322.5 (MANE Select); coding-DNA positions 809 to 810, 2 bases deleted (TC; older notation c.809_810delTC).
Protein change: p.Leu270fs; shifts the reading frame from leucine 270.
Molecular consequence: frameshift variant.
Genome position (GRCh38, 1-based): chr6:42,704,383-42,704,384, GA deleted on the plus strand (TC on the coding strand, the reverse complement: PRPH2 is on the minus strand); deleting any 2 consecutive bases within chr6:42,704,383-42,704,385 gives the same sequence; the c. name uses the placement nearest the transcript's 3' end. VCF-style (leftmost placement, unchanged base first): chr6-42704382-GGA-G. GRCh37 (hg19) VCF-style: chr6-42672120-GGA-G.
Other names: short protein forms L270fs.
Identifiers: ClinVar variation 856902 (VCV000856902.10), dbSNP rs1800109348, ClinGen allele CA916082826.